The following is an entry in ClinVar:

ClinVar aggregate classification (germline): Likely pathogenic. Review status: criteria provided, multiple submitters, no conflicts (2 of 4 stars). 3 submissions from 3 submitters: Likely pathogenic (3). Last evaluated 2025-10-24.

Conditions:
VPS13A-related neurodegenerative disease. Also called: LEVINE-CRITCHLEY SYNDROME; Choreoacanthocytosis; Chorea-acanthocytosis; Choreaacanthocytosis; VPS13A Disease; ACANTHOCYTOSIS WITH NEUROLOGIC DISORDER. Identifiers: Orphanet 2388, MedGen C0393576, MONDO:0008695, OMIM 200150.

Allele frequency attached by ClinVar (database versions not stated): ExAC 0.00001; gnomAD exomes 0.00001.
gnomAD v4.1: 9 of 1,587,228 alleles (0.00057%); highest among the groups gnomAD compares: Non-Finnish European, 0.00078%; no homozygotes.

Submissions (3):

Labcorp Genetics (formerly Invitae), Labcorp
Classification: Likely pathogenic. Last evaluated: 2025-10-24. Review status: criteria provided, single submitter. Criteria: Invitae Variant Classification Sherloc (09022015). Collection method: clinical testing. Allele origin: germline.
Comment: This sequence change affects an acceptor splice site in intron 50 of the VPS13A gene. It is expected to disrupt RNA splicing. Variants that disrupt the donor or acceptor splice site typically lead to a loss of protein function (PMID: 16199547), and loss-of-function variants in VPS13A are known to be pathogenic (PMID: 12404112, 21598378). This variant is present in population databases (rs764591495, gnomAD 0.0009%). This variant has not been reported in the literature in individuals affected with VPS13A-related conditions. ClinVar contains an entry for this variant (Variation ID: 2690776). Algorithms developed to predict the effect of sequence changes on RNA splicing suggest that this variant may disrupt the consensus splice site. In summary, the currently available evidence indicates that the variant is pathogenic, but additional data are needed to prove that conclusively. Therefore, this variant has been classified as Likely Pathogenic.

Fulgent Genetics
Classification: Likely pathogenic for VPS13A-related neurodegenerative disease. Last evaluated: 2024-02-16. Review status: criteria provided, single submitter. Criteria: ACMG Guidelines, 2015. Collection method: clinical testing. Allele origin: germline.

Revvity Omics, Revvity
Classification: Likely pathogenic for VPS13A-related neurodegenerative disease. Last evaluated: 2023-05-19. Review status: criteria provided, single submitter. Criteria: ACMG Guidelines, 2015. Collection method: clinical testing. Allele origin: germline.

Literature cited by the submitters: PubMed 16199547 (cited by Labcorp Genetics (formerly Invitae), Labcorp); PubMed 12404112 (cited by Labcorp Genetics (formerly Invitae), Labcorp); PubMed 21598378 (cited by Labcorp Genetics (formerly Invitae), Labcorp).

NM_033305.3(VPS13A):c.7027-1G>A

Gene: VPS13A (vacuolar protein sorting 13 homolog A; plus strand). Cytogenetic location: 9q21.2.
Variant type: single nucleotide variant.
Coding change: c.7027-1G>A on transcript NM_033305.3 (MANE Select); the canonical splice acceptor site of the intron before coding-DNA position 7027, G replaced by A.
Molecular consequence: splice acceptor variant.
Genome position (GRCh38, 1-based): chr9:77,344,152, G>A. VCF-style: chr9-77344152-G-A. GRCh37 (hg19) VCF-style: chr9-79959068-G-A.
Other names: c.6910-1G>A (NM_001018037.2); c.7027-1G>A (NM_015186.4, NM_001018038.3).
Identifiers: ClinVar variation 2690776 (VCV002690776.4), dbSNP rs764591495, ClinGen allele CA5093198.